The following is an entry in ClinVar:

NM_005051.3(QARS1):c.632-13T>C

Gene: QARS1 (glutaminyl-tRNA synthetase 1; minus strand). Cytogenetic location: 3p21.31.
Variant type: single nucleotide variant.
Coding change: c.632-13T>C on transcript NM_005051.3 (MANE Select); 13 bases into the intron before coding-DNA position 632, T replaced by C.
Molecular consequence: intron variant.
Genome position (GRCh38, 1-based): chr3:49,101,912, A>G on the plus strand (T>C on the coding strand, the complement: QARS1 is on the minus strand). VCF-style: chr3-49101912-A-G. GRCh37 (hg19) VCF-style: chr3-49139345-A-G.
Other names: c.599-13T>C (NM_001272073.2).
Identifiers: ClinVar variation 514837 (VCV000514837.6), dbSNP rs532499007, ClinGen allele CA2392074.

ClinVar aggregate classification (germline): Likely benign. Review status: criteria provided, multiple submitters, no conflicts (2 of 4 stars). 3 submissions from 3 submitters: Likely benign (3). Last evaluated 2025-08-18.

Conditions:
Diffuse cerebral and cerebellar atrophy - intractable seizures - progressive microcephaly syndrome. Also called: Microcephaly, progressive, with seizures and cerebral and cerebellar atrophy. Identifiers: Orphanet 404437, MedGen C4014239, MONDO:0014335, OMIM 615760.

Allele frequency attached by ClinVar (database versions not stated): 1000 Genomes Project below 0.00001; gnomAD below 0.00001 and 0.00001; TOPMed below 0.00001; gnomAD exomes 0.00003 and 0.00007; ExAC 0.00010.
gnomAD v4.1: 48 of 1,603,716 alleles (0.003%); highest among the groups gnomAD compares: South Asian, 0.051%; no homozygotes.

Submissions (3):

Labcorp Genetics (formerly Invitae), Labcorp
Classification: Likely benign for Diffuse cerebral and cerebellar atrophy - intractable seizures - progressive microcephaly syndrome. Last evaluated: 2025-08-18. Review status: criteria provided, single submitter. Criteria: Invitae Variant Classification Sherloc (09022015). Collection method: clinical testing. Allele origin: germline.

Blueprint Genetics
Classification: Likely benign. Last evaluated: 2023-09-27. Review status: criteria provided, single submitter. Criteria: ACMG Guidelines, 2015. Collection method: clinical testing. Allele origin: germline.

GeneDx
Classification: Likely benign. Last evaluated: 2018-01-23. Review status: criteria provided, single submitter. Criteria: GeneDx Variant Classification (06012015). Collection method: clinical testing. Allele origin: germline. Affected: yes.
Comment: This variant is considered likely benign or benign based on one or more of the following criteria: it is a conservative change, it occurs at a poorly conserved position in the protein, it is predicted to be benign by multiple in silico algorithms, and/or has population frequency not consistent with disease.